The following is an entry in ClinVar:

ClinVar aggregate classification (germline): Uncertain significance (1 of 4 stars; one submission).

Submission:

Labcorp Genetics (formerly Invitae), Labcorp
Classification: Uncertain significance. Last evaluated: 2022-07-13. Review status: criteria provided, single submitter. Criteria: Invitae Variant Classification Sherloc (09022015). Collection method: clinical testing. Allele origin: germline.
Comment: Advanced modeling of protein sequence and biophysical properties (such as structural, functional, and spatial information, amino acid conservation, physicochemical variation, residue mobility, and thermodynamic stability) performed at Invitae indicates that this missense variant is expected to disrupt GRM6 protein function. This variant has not been reported in the literature in individuals affected with GRM6-related conditions. This variant is not present in population databases (gnomAD no frequency). This sequence change replaces tyrosine, which is neutral and polar, with histidine, which is basic and polar, at codon 174 of the GRM6 protein (p.Tyr174His). In summary, the available evidence is currently insufficient to determine the role of this variant in disease. Therefore, it has been classified as a Variant of Uncertain Significance.

NM_000843.4(GRM6):c.520T>C (p.Tyr174His)

Gene: GRM6 (glutamate metabotropic receptor 6; minus strand). Cytogenetic location: 5q35.3.
Variant type: single nucleotide variant.
Coding change: c.520T>C on transcript NM_000843.4 (MANE Select); coding-DNA position 520, T replaced by C.
Protein change: p.Tyr174His; replaces tyrosine 174 with histidine.
Molecular consequence: missense variant.
Genome position (GRCh38, 1-based): chr5:178,992,068, A>G on the plus strand (T>C on the coding strand, the complement: GRM6 is on the minus strand). VCF-style: chr5-178992068-A-G. GRCh37 (hg19) VCF-style: chr5-178419069-A-G.
Other names: short protein forms Y174H.
Identifiers: ClinVar variation 1994169 (VCV001994169.4), dbSNP rs1332415888, ClinGen allele CA362434620.